The following is an entry in ClinVar:

NM_002470.4(MYH3):c.3856+5G>A

Gene: MYH3 (myosin heavy chain 3; minus strand). Cytogenetic location: 17p13.1.
Variant type: single nucleotide variant.
Coding change: c.3856+5G>A on transcript NM_002470.4 (MANE Select); 5 bases into the intron after coding-DNA position 3856, G replaced by A.
Molecular consequence: intron variant.
Genome position (GRCh38, 1-based): chr17:10,637,804, C>T on the plus strand (G>A on the coding strand, the complement: MYH3 is on the minus strand). VCF-style: chr17-10637804-C-T. GRCh37 (hg19) VCF-style: chr17-10541121-C-T.
Identifiers: ClinVar variation 2721743 (VCV002721743.3), dbSNP rs776665969, ClinGen allele CA2636107999.

ClinVar aggregate classification (germline): Uncertain significance (1 of 4 stars; one submission).

gnomAD v4.1: 1 of 1,614,052 alleles (0.000062%); no homozygotes.

Submission:

Labcorp Genetics (formerly Invitae), Labcorp
Classification: Uncertain significance. Last evaluated: 2023-06-21. Review status: criteria provided, single submitter. Criteria: Invitae Variant Classification Sherloc (09022015). Collection method: clinical testing. Allele origin: germline.
Comment: This sequence change falls in intron 28 of the MYH3 gene. It does not directly change the encoded amino acid sequence of the MYH3 protein. It affects a nucleotide within the consensus splice site. This variant is not present in population databases (gnomAD no frequency). This variant has not been reported in the literature in individuals affected with MYH3-related conditions. Variants that disrupt the consensus splice site are a relatively common cause of aberrant splicing (PMID: 17576681, 9536098). Algorithms developed to predict the effect of sequence changes on RNA splicing suggest that this variant may create or strengthen a splice site. In summary, the available evidence is currently insufficient to determine the role of this variant in disease. Therefore, it has been classified as a Variant of Uncertain Significance.

Literature cited by the submitters: PubMed 17576681; PubMed 9536098.